The following is an entry in ClinVar:

ClinVar aggregate classification (germline): Uncertain significance. Review status: criteria provided, multiple submitters, no conflicts (2 of 4 stars). 2 submissions from 2 submitters: Uncertain significance (2). Last evaluated 2025-08-22.

gnomAD v4.1: 146 of 1,609,192 alleles (0.0091%); highest among the groups gnomAD compares: African/African-American, 0.11%; no homozygotes.

Submissions (2):

Ambry Genetics
Classification: Uncertain significance. Last evaluated: 2025-08-22. Review status: criteria provided, single submitter. Criteria: Ambry Variant Classification Scheme 2023. Collection method: clinical testing. Allele origin: germline.

GeneDx
Classification: Uncertain significance. Last evaluated: 2025-07-21. Review status: criteria provided, single submitter. Criteria: GeneDx Variant Classification Process June 2021. Collection method: clinical testing. Allele origin: germline. Affected: yes.
Comment: In silico analysis supports that this missense variant has a deleterious effect on protein structure/function; Has not been previously published as pathogenic or benign to our knowledge

NM_014520.4(MYBBP1A):c.920G>A (p.Arg307His)

Gene: MYBBP1A (MYB binding protein 1a; minus strand). Cytogenetic location: 17p13.2.
Variant type: single nucleotide variant.
Coding change: c.920G>A on transcript NM_014520.4 (MANE Select); coding-DNA position 920, G replaced by A.
Protein change: p.Arg307His; replaces arginine 307 with histidine.
Molecular consequence: missense variant.
Genome position (GRCh38, 1-based): chr17:4,551,983, C>T on the plus strand (G>A on the coding strand, the complement: MYBBP1A is on the minus strand). VCF-style: chr17-4551983-C-T. GRCh37 (hg19) VCF-style: chr17-4455278-C-T.
Other names: c.920G>A, p.Arg307His (NM_001105538.2); short protein forms R307H.
Identifiers: ClinVar variation 4114185 (VCV004114185.2).